The following is an entry in ClinVar:

ClinVar aggregate classification (germline): Uncertain significance (1 of 4 stars; one submission).

Conditions:
Ehlers-Danlos syndrome, type 4 (EDSVASC). Also called: Ehlers-Danlos syndrome vascular type; Ehlers Danlos syndrome, ecchymotic type; Ehlers Danlos syndrome, arterial type; Ehlers Danlos syndrome, Sack-Barabas type; Ehlers-Danlos Syndrome Type IV. Identifiers: Orphanet 286, MedGen C0268338, MONDO:0017314, OMIM 130050.

Submission:

Labcorp Genetics (formerly Invitae), Labcorp
Classification: Uncertain significance for Ehlers-Danlos syndrome, type 4. Last evaluated: 2025-10-02. Review status: criteria provided, single submitter. Criteria: Invitae Variant Classification Sherloc (09022015). Collection method: clinical testing. Allele origin: germline.
Comment: This sequence change replaces histidine, which is basic and polar, with proline, which is neutral and non-polar, at codon 1269 of the COL3A1 protein (p.His1269Pro). This variant is not present in population databases (gnomAD no frequency). This variant has not been reported in the literature in individuals affected with COL3A1-related conditions. Invitae Evidence Modeling of protein sequence and biophysical properties (such as structural, functional, and spatial information, amino acid conservation, physicochemical variation, residue mobility, and thermodynamic stability) indicates that this missense variant is not expected to disrupt COL3A1 protein function with a negative predictive value of 95%. In summary, the available evidence is currently insufficient to determine the role of this variant in disease. Therefore, it has been classified as a Variant of Uncertain Significance.

NM_000090.4(COL3A1):c.3806A>C (p.His1269Pro)

Gene: COL3A1 (collagen type III alpha 1 chain; plus strand). Cytogenetic location: 2q32.2.
Variant type: single nucleotide variant.
Coding change: c.3806A>C on transcript NM_000090.4 (MANE Select); coding-DNA position 3806, A replaced by C.
Protein change: p.His1269Pro; replaces histidine 1269 with proline.
Molecular consequence: missense variant.
Genome position (GRCh38, 1-based): chr2:189,009,204, A>C. VCF-style: chr2-189009204-A-C. GRCh37 (hg19) VCF-style: chr2-189873930-A-C.
Other names: short protein forms H1269P.
Identifiers: ClinVar variation 4800334 (VCV004800334.1).
Genomic context (GRCh38, chr2:189,009,204, plus strand): 5'-TTAGTCCTGATGGTTCTCGTAAAAACCCCGCTAGAAACTGCAGAGACCTGAAATTCTGCC[A>C]TCCTGAACTCAAGAGTGGTATGTTTGGTAGTCTTTCATCTTCATGGCAATAGGATTACAG-3'
Protein context (NP_000081.2, residues 1259-1279): ARNCRDLKFC[His1269Pro]PELKSGEYWV